The following is an entry in ClinVar:

ClinVar aggregate classification (germline): Uncertain significance (1 of 4 stars; one submission).

gnomAD v4.1: 16 of 1,607,488 alleles (0.001%); highest among the groups gnomAD compares: Non-Finnish European, 0.0014%; no homozygotes.

Submission:

Labcorp Genetics (formerly Invitae), Labcorp
Classification: Uncertain significance. Last evaluated: 2024-07-09. Review status: criteria provided, single submitter. Criteria: Invitae Variant Classification Sherloc (09022015). Collection method: clinical testing. Allele origin: germline.
Comment: This sequence change replaces phenylalanine, which is neutral and non-polar, with tyrosine, which is neutral and polar, at codon 783 of the PLD1 protein (p.Phe783Tyr). This variant is present in population databases (rs762296380, gnomAD 0.002%). This variant has not been reported in the literature in individuals affected with PLD1-related conditions. Advanced modeling of protein sequence and biophysical properties (such as structural, functional, and spatial information, amino acid conservation, physicochemical variation, residue mobility, and thermodynamic stability) performed at Invitae indicates that this missense variant is expected to disrupt PLD1 protein function with a positive predictive value of 80%. In summary, the available evidence is currently insufficient to determine the role of this variant in disease. Therefore, it has been classified as a Variant of Uncertain Significance.

NM_002662.5(PLD1):c.2348T>A (p.Phe783Tyr)

Gene: PLD1 (phospholipase D1; minus strand). Cytogenetic location: 3q26.31.
Variant type: single nucleotide variant.
Coding change: c.2348T>A on transcript NM_002662.5 (MANE Select); coding-DNA position 2348, T replaced by A.
Protein change: p.Phe783Tyr; replaces phenylalanine 783 with tyrosine.
Molecular consequence: missense variant.
Genome position (GRCh38, 1-based): chr3:171,659,294, A>T on the plus strand (T>A on the coding strand, the complement: PLD1 is on the minus strand). VCF-style: chr3-171659294-A-T. GRCh37 (hg19) VCF-style: chr3-171377084-A-T.
Other names: c.2234T>A, p.Phe745Tyr (NM_001130081.3); short protein forms F745Y, F783Y.
Identifiers: ClinVar variation 3614379 (VCV003614379.2).
Genomic context (GRCh38, chr3:171,659,294, plus strand): 5'-TGGGCAATGGCATCGCCTATCTTGTTGAACACAACTTTGTCATCAGCACAGCTTATGAAA[A>T]ACTGGTTCTATGAGAAATAAACAAGACAATCATGTTAGTCTTTATTTTCTTAGCAATATA-3'
Protein context (NP_002653.1, residues 773-793): SRHYIYIENQ[Phe783Tyr]FISCADDKVV